The following is an entry in ClinVar:

ClinVar aggregate classification (germline): Conflicting classifications of pathogenicity. Review status: criteria provided, conflicting classifications (1 of 4 stars). 3 submissions from 3 submitters: Uncertain significance (1); Likely benign (2). Last evaluated 2025-02-03.

Allele frequency attached by ClinVar (database versions not stated): TOPMed below 0.00001.
gnomAD v4.1: 2 of 1,612,386 alleles (0.00012%); highest among the groups gnomAD compares: Non-Finnish European, 0.000085%; no homozygotes.

Submissions (3):

Mayo Clinic Laboratories, Mayo Clinic
Classification: Likely benign. Last evaluated: 2025-02-03. Review status: criteria provided, single submitter. Criteria: ACMG Guidelines, 2015. Collection method: clinical testing. Allele origin: germline. Observed: 1 variant allele.
Comment: BP4, BP7

Blueprint Genetics
Classification: Likely benign. Last evaluated: 2024-10-30. Review status: criteria provided, single submitter. Criteria: ACMG Guidelines, 2015. Collection method: clinical testing. Allele origin: germline.

Women's Health and Genetics/Laboratory Corporation of America, LabCorp
Classification: Uncertain significance. Last evaluated: 2023-10-30. Review status: criteria provided, single submitter. Criteria: LabCorp Variant Classification Summary - May 2015. Collection method: clinical testing. Allele origin: germline.
Comment: Variant summary: COL12A1 c.822G>A (p.Leu274Leu) alters a conserved nucleotide located close to a canonical splice site and therefore could affect mRNA splicing, leading to a significantly altered protein sequence. Consensus agreement among computation tools predict no significant impact on normal splicing. However, these predictions have yet to be confirmed by functional studies. The variant was absent in 248424 control chromosomes. The available data on variant occurrences in the general population are insufficient to allow any conclusion about variant significance. To our knowledge, no occurrence of c.822G>A in individuals affected with Bethlem Myopathy 2 and no experimental evidence demonstrating its impact on protein function have been reported. No submitters have cited clinical-significance assessments for this variant to ClinVar after 2014. Based on the evidence outlined above, the variant was classified as uncertain significance.

NM_004370.6(COL12A1):c.822G>A (p.Leu274=)

Gene: COL12A1 (collagen type XII alpha 1 chain; minus strand). Cytogenetic location: 6q13.
Variant type: single nucleotide variant.
Coding change: c.822G>A on transcript NM_004370.6 (MANE Select); coding-DNA position 822, G replaced by A.
Protein change: p.Leu274=; no amino-acid change (leucine 274 retained).
Molecular consequence: synonymous variant. On other transcripts: intron variant (2).
Genome position (GRCh38, 1-based): chr6:75,189,218, C>T on the plus strand (G>A on the coding strand, the complement: COL12A1 is on the minus strand). VCF-style: chr6-75189218-C-T. GRCh37 (hg19) VCF-style: chr6-75898934-C-T.
Other names: p.Leu274=; c.822G>A, p.Leu274= (NM_001424113.1, NM_001424114.1, NM_001424115.1); c.73+13502G>A (NM_001424116.1, NM_080645.3).
Identifiers: ClinVar variation 2637557 (VCV002637557.3), dbSNP rs1226233875, ClinGen allele CA451112443.
Genomic context (GRCh38, chr6:75,189,218, plus strand): 5'-AAACATTAAGTATACTGTAGGAGTTGTAAAATGGAAATAATTAACTGAACTTAACCTACC[C>T]AAGGAGAAAACTTCAACTCCAACATTACGAAGCTCTCTTGCTGGAATTTCCACTTCATCC-3'
Protein context (NP_004361.3, residues 264-284): LRNVGVEVFS[Leu274=]GIKAADAKEL